The following is an entry in ClinVar:

ClinVar aggregate classification (germline): Pathogenic (1 of 4 stars; one submission).

Conditions:
Hereditary factor VIII deficiency disease (HEMA). Also called: HEMOPHILIA, CLASSIC; AUTOSOMAL HEMOPHILIA A; Hemophilia A; Hemophilia A, congenital; HEM A; Factor 8 deficiency, congenital. Identifiers: Orphanet 98878, MedGen C0019069, MONDO:0010602, OMIM 306700.

Submission:

ARUP Laboratories, Molecular Genetics and Genomics, ARUP Laboratories
Classification: Pathogenic for Hereditary factor VIII deficiency disease. Last evaluated: 2021-03-31. Review status: criteria provided, single submitter. Criteria: ARUP Molecular Germline Variant Investigation Process 2021. Collection method: clinical testing. Allele origin: germline.
Comment: The F8 c.286C>T; p.Gln96Ter variant, also known as Gln77Ter, is reported in the literature in at least one individual affected with severe hemophilia A (Rydz 2013, see link to FVIII database). This variant is absent from general population databases (Exome Variant Server, Genome Aggregation Database), indicating it is not a common polymorphism. This variant induces an early termination codon and is predicted to result in a truncated protein or mRNA subject to nonsense-mediated decay. Additionally, several downstream truncating variants have been described in individuals with hemophilia A and are considered pathogenic (see link to FVIII database). Based on available information, this variant is considered to be pathogenic. References: Link to FVIII database: Rydz N et al. The Canadian "National Program for hemophilia mutation testing" database: a ten-year review. Am J Hematol. 2013 Dec;88(12):1030-4.

NM_000132.4(F8):c.286C>T (p.Gln96Ter)

Gene: F8 (coagulation factor VIII; minus strand). Cytogenetic location: Xq28.
Variant type: single nucleotide variant.
Coding change: c.286C>T on transcript NM_000132.4 (MANE Select); coding-DNA position 286, C replaced by T.
Protein change: p.Gln96Ter; replaces glutamine 96 with a stop codon.
Molecular consequence: nonsense.
Genome position (GRCh38, 1-based): chrX:154,997,075, G>A on the plus strand (C>T on the coding strand, the complement: F8 is on the minus strand). VCF-style: chrX-154997075-G-A. GRCh37 (hg19) VCF-style: chrX-154225350-G-A.
Other names: short protein forms Q96*.
Identifiers: ClinVar variation 1330732 (VCV001330732.7), dbSNP rs2124146053, ClinGen allele CA414920091.